The following is an entry in ClinVar:

NM_001276270.2(MBD4):c.1268C>T (p.Pro423Leu)

Gene: MBD4 (methyl-CpG binding domain 4, DNA glycosylase; minus strand). Cytogenetic location: 3q21.3.
Variant type: single nucleotide variant.
Coding change: c.1268C>T on transcript NM_001276270.2 (MANE Select); coding-DNA position 1268, C replaced by T.
Protein change: p.Pro423Leu; replaces proline 423 with leucine.
Molecular consequence: missense variant.
Genome position (GRCh38, 1-based): chr3:129,433,975, G>A on the plus strand (C>T on the coding strand, the complement: MBD4 is on the minus strand). VCF-style: chr3-129433975-G-A. GRCh37 (hg19) VCF-style: chr3-129152818-G-A.
Other names: c.1286C>T, p.Pro429Leu (NM_001276271.2, NM_001276272.2, NM_003925.3); c.332C>T, p.Pro111Leu (NM_001276273.2); short protein forms P423L, P111L, P429L.
Identifiers: ClinVar variation 2393054 (VCV002393054.4), dbSNP rs760432119, ClinGen allele CA2605339.

ClinVar aggregate classification (germline): Uncertain significance. Review status: criteria provided, multiple submitters, no conflicts (2 of 4 stars). 2 submissions from 2 submitters: Uncertain significance (2). Last evaluated 2024-03-28.

Conditions:
Inborn genetic diseases. Identifiers: MedGen C0950123, MeSH D030342.

Allele frequency attached by ClinVar (database versions not stated): TOPMed below 0.00001; ExAC 0.00001; gnomAD 0.00001.
gnomAD v4.1: 1 of 1,614,022 alleles (0.000062%); highest among the groups gnomAD compares: African/African-American, 0.0013%; no homozygotes.

Submissions (2):

Labcorp Genetics (formerly Invitae), Labcorp
Classification: Uncertain significance. Last evaluated: 2024-03-28. Review status: criteria provided, single submitter. Criteria: Invitae Variant Classification Sherloc (09022015). Collection method: clinical testing. Allele origin: germline.
Comment: This sequence change replaces proline, which is neutral and non-polar, with leucine, which is neutral and non-polar, at codon 429 of the MBD4 protein (p.Pro429Leu). This variant is not present in population databases (gnomAD no frequency). This variant has not been reported in the literature in individuals affected with MBD4-related conditions. ClinVar contains an entry for this variant (Variation ID: 2393054). An algorithm developed to predict the effect of missense changes on protein structure and function (PolyPhen-2) suggests that this variant is likely to be tolerated. In summary, the available evidence is currently insufficient to determine the role of this variant in disease. Therefore, it has been classified as a Variant of Uncertain Significance.

Ambry Genetics
Classification: Uncertain significance for Inborn genetic diseases. Last evaluated: 2021-10-27. Review status: criteria provided, single submitter. Criteria: Ambry Variant Classification Scheme 2023. Collection method: clinical testing. Allele origin: germline.